The following is an entry in ClinVar:

NM_021830.5(TWNK):c.1734A>G (p.Lys578=)

Gene: TWNK (twinkle mtDNA helicase; plus strand). Cytogenetic location: 10q24.31.
Variant type: single nucleotide variant.
Coding change: c.1734A>G on transcript NM_021830.5 (MANE Select); coding-DNA position 1734, A replaced by G.
Protein change: p.Lys578=; no amino-acid change (lysine 578 retained).
Molecular consequence: synonymous variant. On other transcripts: non-coding transcript variant (5).
Genome position (GRCh38, 1-based): chr10:100,991,010, A>G. VCF-style: chr10-100991010-A-G. GRCh37 (hg19) VCF-style: chr10-102750767-A-G.
Other names: c.1734A>G (NM_021830.4); c.1734A>G, p.Lys578= (NM_001163812.2); c.372A>G, p.Lys124= (NM_001163813.2, NM_001163814.2, NM_001368275.1).
Identifiers: ClinVar variation 2984404 (VCV002984404.5), dbSNP rs867818489, ClinGen allele CA212964248.
Genomic context (GRCh38, chr10:100,991,010, plus strand): 5'-CCCCCGGAAAGAGGATGATGACAAGGAACTGCAGACAGCGTCCATTTTTGGCTCAGCCAA[A>G]GTGAGTGGCCTTTAGCGGAGCTCAAGCTTTGGAAAATAGAGTGGGTAGGTGTGACCAGGG-3'
Protein context (NP_068602.2, residues 568-588): LQTASIFGSA[Lys578=]ASQEADNVLI

ClinVar aggregate classification (germline): Uncertain significance. Review status: criteria provided, single submitter (1 of 4 stars). 2 submissions from 2 submitters: Uncertain significance (1). 1 of the submissions does not count toward it. Last evaluated 2024-09-26.

Conditions:
TWNK-related disorder. Also called: TWNK-related condition.

Allele frequency attached by ClinVar (database versions not stated): TOPMed 0.00001; gnomAD 0.00002; gnomAD exomes 0.00002.
gnomAD v4.1: 27 of 1,614,106 alleles (0.0017%); highest among the groups gnomAD compares: Non-Finnish European, 0.0023%; no homozygotes.

Submissions (2):

Labcorp Genetics (formerly Invitae), Labcorp
Classification: Uncertain significance. Last evaluated: 2024-09-26. Review status: criteria provided, single submitter. Criteria: Invitae Variant Classification Sherloc (09022015). Collection method: clinical testing. Allele origin: germline.
Comment: This sequence change affects codon 578 of the TWNK mRNA. It is a 'silent' change, meaning that it does not change the encoded amino acid sequence of the TWNK protein. It affects a nucleotide within the consensus splice site. This variant is present in population databases (no rsID available, gnomAD 0.002%). This variant has not been reported in the literature in individuals affected with TWNK-related conditions. Algorithms developed to predict the effect of sequence changes on RNA splicing suggest that this variant is not likely to affect RNA splicing. In summary, the available evidence is currently insufficient to determine the role of this variant in disease. Therefore, it has been classified as a Variant of Uncertain Significance.

PreventionGenetics, part of Exact Sciences
Classification: Likely benign for TWNK-related condition. Last evaluated: 2021-04-27. Review status: no assertion criteria provided. Collection method: clinical testing. Allele origin: germline. Not counted in ClinVar's aggregate classification.
Comment: This variant is classified as likely benign based on ACMG/AMP sequence variant interpretation guidelines (Richards et al. 2015 PMID: 25741868, with internal and published modifications).